The following is an entry in ClinVar:

ClinVar aggregate classification (germline): Likely pathogenic (1 of 4 stars; one submission).

Allele frequency attached by ClinVar (database versions not stated): TOPMed below 0.00001.

Submission:

Labcorp Genetics (formerly Invitae), Labcorp
Classification: Likely pathogenic. Last evaluated: 2023-05-02. Review status: criteria provided, single submitter. Criteria: Invitae Variant Classification Sherloc (09022015). Collection method: clinical testing. Allele origin: germline.
Comment: In summary, the currently available evidence indicates that the variant is pathogenic, but additional data are needed to prove that conclusively. Therefore, this variant has been classified as Likely Pathogenic. Algorithms developed to predict the effect of sequence changes on RNA splicing suggest that this variant may disrupt the consensus splice site. This variant has not been reported in the literature in individuals affected with SPEG-related conditions. This variant is not present in population databases (gnomAD no frequency). This sequence change affects an acceptor splice site in intron 35 of the SPEG gene. It is expected to disrupt RNA splicing. Variants that disrupt the donor or acceptor splice site typically lead to a loss of protein function (PMID: 16199547), and loss-of-function variants in SPEG are known to be pathogenic (PMID: 19118250, 25087613).

Literature cited by the submitters: PubMed 16199547; PubMed 19118250; PubMed 25087613.

NM_005876.5(SPEG):c.8318-1G>A

Genes: ASIC4-AS1 (ASIC4 antisense RNA 1; minus strand), SPEG (striated muscle enriched protein kinase; plus strand). Cytogenetic location: 2q35.
Variant type: single nucleotide variant.
Coding change: c.8318-1G>A on transcript NM_005876.5 (MANE Select); the canonical splice acceptor site of the intron before coding-DNA position 8318, G replaced by A.
Molecular consequence: splice acceptor variant.
Genome position (GRCh38, 1-based): chr2:219,489,335, G>A. VCF-style: chr2-219489335-G-A. GRCh37 (hg19) VCF-style: chr2-220354057-G-A.
Identifiers: ClinVar variation 2880970 (VCV002880970.3), dbSNP rs1693746784, ClinGen allele CA350708880.
Genomic context (GRCh38, chr2:219,489,335, plus strand): 5'-CTTGTGGAGCACCATGGCCTTGCCCCAAGGCACCACGGTGATGATTTTCTCTCTCTCTTA[G>A]ATTCTTCAGCTGTGCCATCTGCTGCCCACCAAGAGGCCCCTGTCACCTCAAGGCCAGCCA-3'